The following is an entry in ClinVar:

NM_177438.3(DICER1):c.3880C>T (p.Pro1294Ser)

Gene: DICER1 (dicer 1, ribonuclease III; minus strand). Cytogenetic location: 14q32.13.
Variant type: single nucleotide variant.
Coding change: c.3880C>T on transcript NM_177438.3 (MANE Select); coding-DNA position 3880, C replaced by T.
Protein change: p.Pro1294Ser; replaces proline 1294 with serine.
Molecular consequence: missense variant. On other transcripts: non-coding transcript variant (6).
Genome position (GRCh38, 1-based): chr14:95,103,516, G>A on the plus strand (C>T on the coding strand, the complement: DICER1 is on the minus strand). VCF-style: chr14-95103516-G-A. GRCh37 (hg19) VCF-style: chr14-95569853-G-A.
Other names: c.3880C>T, p.Pro1294Ser (NM_001195573.1, NM_001271282.3, NM_001291628.2 and 13 more transcripts); c.3598C>T, p.Pro1200Ser (NM_001395686.1); c.3475C>T, p.Pro1159Ser (NM_001395687.1, NM_001395688.1, NM_001395689.1 and 2 more transcripts); c.3313C>T, p.Pro1105Ser (NM_001395691.1); c.2197C>T, p.Pro733Ser (NM_001395697.1); short protein forms P1105S, P733S, P1159S, P1294S, P1200S.
Identifiers: ClinVar variation 2736953 (VCV002736953.3), dbSNP rs2139957234, ClinGen allele CA390873251.

ClinVar aggregate classification (germline): Uncertain significance (1 of 4 stars; one submission).

Conditions:
DICER1-related tumor predisposition. Also called: DICER1 syndrome; DICER1-related pleuropulmonary blastoma cancer predisposition syndrome. Identifiers: Orphanet 284343, MedGen C3839822, MONDO:0100216.

Submission:

Labcorp Genetics (formerly Invitae), Labcorp
Classification: Uncertain significance for DICER1-related tumor predisposition. Last evaluated: 2023-07-07. Review status: criteria provided, single submitter. Criteria: Invitae Variant Classification Sherloc (09022015). Collection method: clinical testing. Allele origin: germline.
Comment: This sequence change replaces proline, which is neutral and non-polar, with serine, which is neutral and polar, at codon 1294 of the DICER1 protein (p.Pro1294Ser). This variant is not present in population databases (gnomAD no frequency). This variant has not been reported in the literature in individuals affected with DICER1-related conditions. Advanced modeling of protein sequence and biophysical properties (such as structural, functional, and spatial information, amino acid conservation, physicochemical variation, residue mobility, and thermodynamic stability) performed at Invitae indicates that this missense variant is expected to disrupt DICER1 protein function. In summary, the available evidence is currently insufficient to determine the role of this variant in disease. Therefore, it has been classified as a Variant of Uncertain Significance.